The following is an entry in ClinVar:

ClinVar aggregate classification (germline): Uncertain significance (1 of 4 stars; one submission).

Conditions:
Hereditary cancer-predisposing syndrome. Also called: Neoplastic Syndromes, Hereditary; Hereditary Cancer Syndrome; Hereditary neoplastic syndrome; Tumor predisposition. Identifiers: Orphanet 140162, MedGen C0027672, MeSH D009386, MONDO:0015356.

Submission:

Ambry Genetics
Classification: Uncertain significance for Hereditary cancer-predisposing syndrome. Last evaluated: 2023-04-14. Review status: criteria provided, single submitter. Criteria: Ambry Variant Classification Scheme 2023. Collection method: clinical testing. Allele origin: germline.
Comment: The p.C1283R variant (also known as c.3847T>C), located in coding exon 31 of the TSC2 gene, results from a T to C substitution at nucleotide position 3847. The cysteine at codon 1283 is replaced by arginine, an amino acid with highly dissimilar properties. This amino acid position is conserved. In addition, the in silico prediction for this alteration is inconclusive. Since supporting evidence is limited at this time, the clinical significance of this alteration remains unclear.

NM_000548.5(TSC2):c.3847T>C (p.Cys1283Arg)

Gene: TSC2 (TSC complex subunit 2; plus strand). Cytogenetic location: 16p13.3.
Variant type: single nucleotide variant.
Coding change: c.3847T>C on transcript NM_000548.5 (MANE Select); coding-DNA position 3847, T replaced by C.
Protein change: p.Cys1283Arg; replaces cysteine 1283 with arginine.
Molecular consequence: missense variant. On other transcripts: intron variant (33), non-coding transcript variant (1).
Genome position (GRCh38, 1-based): chr16:2,082,468, T>C. VCF-style: chr16-2082468-T-C. GRCh37 (hg19) VCF-style: chr16-2132469-T-C.
Other names: c.3082+670T>C (NM_001406687.1, NM_001406688.1); c.2470+670T>C (NM_001406689.1); c.2341+670T>C (NM_001406692.1, NM_001406694.1, NM_001406693.1); c.2338+670T>C (NM_001406697.1, NM_001406695.1, NM_001406696.1); c.2080+670T>C (NM_001406698.1); c.3814+670T>C (NM_001114382.3); c.3811+670T>C (NM_001406664.1); c.3685+670T>C (NM_001363528.2); and 25 more; short protein forms C1240R, C1282R, C791R, C1039R, C1083R, C1283R, C1239R, C792R.
Identifiers: ClinVar variation 2564642 (VCV002564642.2), dbSNP rs2544190835, ClinGen allele CA394294948.
Genomic context (GRCh38, chr16:2,082,468, plus strand): 5'-CGTGGCCGCACACGGCCTTCCCTTGCAGTGGCCTCTTTCTCCTCCCTGTACCAGTCCAGC[T>C]GCCAAGGACAGCTGCACAGGAGCGTTTCCTGGGCAGGTATCGCCTCTCAGAGGGAAGCGG-3'
Protein context (NP_000539.2, residues 1273-1293): ASFSSLYQSS[Cys1283Arg]QGQLHRSVSW